The following is an entry in ClinVar:

ClinVar aggregate classification (germline): Uncertain significance. Review status: criteria provided, multiple submitters, no conflicts (2 of 4 stars). 2 submissions from 2 submitters: Uncertain significance (2). Last evaluated 2024-09-06.

Conditions:
Hereditary cancer-predisposing syndrome. Also called: Tumor predisposition; Neoplastic Syndromes, Hereditary; Hereditary neoplastic syndrome; Hereditary Cancer Syndrome. Identifiers: Orphanet 140162, MedGen C0027672, MeSH D009386, MONDO:0015356.
Parathyroid carcinoma (PRTC). Also called: CDC73-Related Parathyroid Carcinoma; Parathyroid gland carcinoma. Identifiers: Orphanet 143, MedGen C0687150, MONDO:0012004, OMIM 608266, HP:0006780.

Submissions (2):

Labcorp Genetics (formerly Invitae), Labcorp
Classification: Uncertain significance for Parathyroid carcinoma. Last evaluated: 2024-09-06. Review status: criteria provided, single submitter. Criteria: Invitae Variant Classification Sherloc (09022015). Collection method: clinical testing. Allele origin: germline.
Comment: This variant, c.1179_1181del, results in the deletion of 1 amino acid(s) of the CDC73 protein (p.Lys394del), but otherwise preserves the integrity of the reading frame. This variant is not present in population databases (gnomAD no frequency). This variant has not been reported in the literature in individuals affected with CDC73-related conditions. ClinVar contains an entry for this variant (Variation ID: 1019048). Experimental studies and prediction algorithms are not available or were not evaluated, and the functional significance of this variant is currently unknown. In summary, the available evidence is currently insufficient to determine the role of this variant in disease. Therefore, it has been classified as a Variant of Uncertain Significance.

Ambry Genetics
Classification: Uncertain significance for Hereditary cancer-predisposing syndrome. Last evaluated: 2021-06-21. Review status: criteria provided, single submitter. Criteria: Ambry Variant Classification Scheme 2023. Collection method: clinical testing. Allele origin: germline.
Comment: The c.1179_1181delGAA variant (also known as p.K394del) is located in coding exon 14 of the CDC73 gene. This variant results from an in-frame GAA deletion at nucleotide positions 1179 to 1181. This results in the in-frame deletion of a lysine at codon 394. This amino acid position is highly conserved in available vertebrate species. In addition, this alteration is predicted to be deleterious by in silico analysis (Choi Y et al. PLoS ONE. 2012; 7(10):e46688). Since supporting evidence is limited at this time, the clinical significance of this alteration remains unclear.

NM_024529.5(CDC73):c.1176GAA[1] (p.Lys394del)

Gene: CDC73 (cell division cycle 73; plus strand). Cytogenetic location: 1q31.2.
Variant type: Microsatellite.
Coding change: c.1176GAA[1] on transcript NM_024529.5 (MANE Select); one copy of the 3-base unit GAA starting at c.1176; the reference has two copies in a row; one copy, 3 bases deleted.
Protein change: p.Lys394del; deletes lysine 394.
Molecular consequence: inframe deletion.
Genome position (GRCh38, 1-based): chr1:193,233,017-193,233,019, GAA deleted; deleting any 3 consecutive bases within chr1:193,233,012-193,233,019 gives the same sequence; the position shown is the placement nearest the transcript's 3' end. VCF-style (leftmost placement, unchanged base first): chr1-193233011-AAAG-A. GRCh37 (hg19) VCF-style: chr1-193202141-AAAG-A.
Other names: short protein forms K394del.
Identifiers: ClinVar variation 1019048 (VCV001019048.12), dbSNP rs1677687636, ClinGen allele CA1216165528.